The following is an entry in ClinVar:

ClinVar aggregate classification (germline): Uncertain significance (1 of 4 stars; one submission).

Conditions:
Immunodeficiency 51 (IMD51). Also called: CANDIDIASIS, FAMILIAL, 5. Identifiers: Orphanet 1334, MedGen C4310803, MONDO:0013500, OMIM 613953.

Allele frequency attached by ClinVar (database versions not stated): TOPMed below 0.00001.

Submission:

Labcorp Genetics (formerly Invitae), Labcorp
Classification: Uncertain significance for Immunodeficiency 51. Last evaluated: 2021-08-31. Review status: criteria provided, single submitter. Criteria: Invitae Variant Classification Sherloc (09022015). Collection method: clinical testing. Allele origin: germline.
Comment: This sequence change replaces glutamine with histidine at codon 418 of the IL17RA protein (p.Gln418His). The glutamine residue is moderately conserved and there is a small physicochemical difference between glutamine and histidine. This variant is not present in population databases (ExAC no frequency). This variant has not been reported in the literature in individuals affected with IL17RA-related conditions. Algorithms developed to predict the effect of missense changes on protein structure and function are either unavailable or do not agree on the potential impact of this missense change (SIFT: "Tolerated"; PolyPhen-2: "Probably Damaging"; Align-GVGD: "Class C0"). In summary, the available evidence is currently insufficient to determine the role of this variant in disease. Therefore, it has been classified as a Variant of Uncertain Significance.

NM_014339.7(IL17RA):c.1254G>C (p.Gln418His)

Gene: IL17RA (interleukin 17 receptor A; plus strand). Cytogenetic location: 22q11.1.
Variant type: single nucleotide variant.
Coding change: c.1254G>C on transcript NM_014339.7 (MANE Select); coding-DNA position 1254, G replaced by C.
Protein change: p.Gln418His; replaces glutamine 418 with histidine.
Molecular consequence: missense variant.
Genome position (GRCh38, 1-based): chr22:17,108,473, G>C. VCF-style: chr22-17108473-G-C. GRCh37 (hg19) VCF-style: chr22-17589363-G-C.
Other names: c.1152G>C, p.Gln384His (NM_001289905.2); short protein forms Q384H, Q418H.
Identifiers: ClinVar variation 1472106 (VCV001472106.6), dbSNP rs2061423105, ClinGen allele CA410216283.